The following is an entry in ClinVar:

NM_006767.4(LZTR1):c.1786-18_1786-5del

Gene: LZTR1 (leucine zipper like post translational regulator 1; plus strand). Cytogenetic location: 22q11.21.
Variant type: Deletion.
Coding change: c.1786-18_1786-5del on transcript NM_006767.4 (MANE Select); 18 bases into the intron before coding-DNA position 1786 through 5 bases into the intron before coding-DNA position 1786, 14 bases deleted (TGTGCCTGTCTGCC).
Molecular consequence: intron variant.
Genome position (GRCh38, 1-based): chr22:20,994,852-20,994,865, TGTGCCTGTCTGCC deleted; deleting any 14 consecutive bases within chr22:20,994,847-20,994,865 gives the same sequence; the c. name uses the placement nearest the transcript's 3' end. VCF-style (leftmost placement, unchanged base first): chr22-20994846-CCTGCCTGTGCCTGT-C. GRCh37 (hg19) VCF-style: chr22-21349135-CCTGCCTGTGCCTGT-C.
Identifiers: ClinVar variation 3704669 (VCV003704669.2).

ClinVar aggregate classification (germline): Uncertain significance (1 of 4 stars; one submission).

Submission:

Labcorp Genetics (formerly Invitae), Labcorp
Classification: Uncertain significance. Last evaluated: 2025-03-10. Review status: criteria provided, single submitter. Criteria: Invitae Variant Classification Sherloc (09022015). Collection method: clinical testing. Allele origin: germline.
Comment: This sequence change falls in intron 15 of the LZTR1 gene. It does not directly change the encoded amino acid sequence of the LZTR1 protein. This variant is not present in population databases (gnomAD no frequency). This variant has not been reported in the literature in individuals affected with LZTR1-related conditions. Experimental studies and prediction algorithms are not available or were not evaluated, and the effect of this variant on mRNA splicing is currently unknown. In summary, the available evidence is currently insufficient to determine the role of this variant in disease. Therefore, it has been classified as a Variant of Uncertain Significance.